The following is an entry in ClinVar:

ClinVar aggregate classification (germline): Uncertain significance (1 of 4 stars; one submission).

gnomAD v4.1: 1 of 1,613,882 alleles (0.000062%); highest among the groups gnomAD compares: Non-Finnish European, 0.000085%; no homozygotes.

Submission:

Labcorp Genetics (formerly Invitae), Labcorp
Classification: Uncertain significance. Last evaluated: 2024-03-03. Review status: criteria provided, single submitter. Criteria: Invitae Variant Classification Sherloc (09022015). Collection method: clinical testing. Allele origin: germline.
Comment: This sequence change replaces glutamic acid, which is acidic and polar, with lysine, which is basic and polar, at codon 544 of the SRCAP protein (p.Glu544Lys). This variant is present in population databases (no rsID available, gnomAD 0.002%). This variant has not been reported in the literature in individuals affected with SRCAP-related conditions. Advanced modeling of protein sequence and biophysical properties (such as structural, functional, and spatial information, amino acid conservation, physicochemical variation, residue mobility, and thermodynamic stability) performed at Invitae indicates that this missense variant is not expected to disrupt SRCAP protein function with a negative predictive value of 80%. In summary, the available evidence is currently insufficient to determine the role of this variant in disease. Therefore, it has been classified as a Variant of Uncertain Significance.

NM_006662.3(SRCAP):c.1630G>A (p.Glu544Lys)

Gene: SRCAP (Snf2 related CREBBP activator protein; plus strand). Cytogenetic location: 16p11.2.
Variant type: single nucleotide variant.
Coding change: c.1630G>A on transcript NM_006662.3 (MANE Select); coding-DNA position 1630, G replaced by A.
Protein change: p.Glu544Lys; replaces glutamic acid 544 with lysine.
Molecular consequence: missense variant.
Genome position (GRCh38, 1-based): chr16:30,711,972, G>A. VCF-style: chr16-30711972-G-A. GRCh37 (hg19) VCF-style: chr16-30723293-G-A.
Other names: short protein forms E544K.
Identifiers: ClinVar variation 3677387 (VCV003677387.1).